The following is an entry in ClinVar:

NM_000254.3(MTR):c.1141G>A (p.Ala381Thr)

Gene: MTR (5-methyltetrahydrofolate-homocysteine methyltransferase; plus strand). Cytogenetic location: 1q43.
Variant type: single nucleotide variant.
Coding change: c.1141G>A on transcript NM_000254.3 (MANE Select); coding-DNA position 1141, G replaced by A.
Protein change: p.Ala381Thr; replaces alanine 381 with threonine.
Molecular consequence: missense variant. On other transcripts: intron variant (1).
Genome position (GRCh38, 1-based): chr1:236,832,031, G>A. VCF-style: chr1-236832031-G-A. GRCh37 (hg19) VCF-style: chr1-236995331-G-A.
Other names: c.1141G>A, p.Ala381Thr (NM_001291939.1); c.-34+2763G>A (NM_001291940.2); short protein forms A381T.
Identifiers: ClinVar variation 296561 (VCV000296561.18), dbSNP rs144777709, ClinGen allele CA1474008.

ClinVar aggregate classification (germline): Conflicting classifications of pathogenicity. Review status: criteria provided, conflicting classifications (1 of 4 stars). 5 submissions from 5 submitters: Uncertain significance (3); Likely benign (1). 1 of the submissions does not count toward it. Last evaluated 2026-01-28.

Conditions:
MTR-related disorder. Also called: MTR-related condition.
Disorders of Intracellular Cobalamin Metabolism. Identifiers: MedGen CN043592.
Methylcobalamin deficiency type cblG (HMAG). Also called: HOMOCYSTINURIA-MEGALOBLASTIC ANEMIA, cblG TYPE; HOMOCYSTINURIA-MEGALOBLASTIC ANEMIA DUE TO DEFECT IN COBALAMIN METABOLISM, cblG COMPLEMENTATION TYPE; HOMOCYSTINURIA-MEGALOBLASTIC ANEMIA, cblG COMPLEMENTATION TYPE; Functional methionine synthase deficiency type cblG. Identifiers: Orphanet 2170, Orphanet 622, MedGen C1855128, MONDO:0009609, OMIM 250940.

Allele frequency attached by ClinVar (database versions not stated): gnomAD exomes 0.00016; ExAC 0.00019; ESP Exome Variant Server 0.00038; 1000 Genomes Project 0.00040; 1000 Genomes Project 30x 0.00047; gnomAD 0.00068 and 0.00073; TOPMed 0.00077.
gnomAD v4.1: 180 of 1,614,126 alleles (0.011%); highest among the groups gnomAD compares: African/African-American, 0.21%; no homozygotes.

Submissions (5):

Labcorp Genetics (formerly Invitae), Labcorp
Classification: Likely benign for Methylcobalamin deficiency type cblG. Last evaluated: 2026-01-28. Review status: criteria provided, single submitter. Criteria: Invitae Variant Classification Sherloc (09022015). Collection method: clinical testing. Allele origin: germline.

Revvity Omics, Revvity
Classification: Uncertain significance for Methylcobalamin deficiency type cblG. Last evaluated: 2023-06-29. Review status: criteria provided, single submitter. Criteria: ACMG Guidelines, 2015. Collection method: clinical testing. Allele origin: germline.

GeneDx
Classification: Uncertain significance. Last evaluated: 2018-05-10. Review status: criteria provided, single submitter. Criteria: GeneDx Variant Classification (06012015). Collection method: clinical testing. Allele origin: germline. Affected: yes.
Comment: The A381T variant has not been published as a pathogenic variant, nor has it been reported as a benign variant to our knowledge. The A381T variant is a non-conservative amino acid substitution, which is likely to impact secondary protein structure as these residues differ in polarity, charge, size and/or other properties. This substitution occurs at a position that is conserved across species, and in silico analysis predicts this variant is probably damaging to the protein structure/function. In summary, based on the currently available information, it is unclear whether this variant is a pathogenic variant or a rare benign variant.

Illumina Laboratory Services, Illumina
Classification: Uncertain significance for Disorders of Intracellular Cobalamin Metabolism. Last evaluated: 2018-01-13. Review status: criteria provided, single submitter. Criteria: ICSL Variant Classification Criteria 13 December 2019. Collection method: clinical testing. Allele origin: germline.

PreventionGenetics, part of Exact Sciences
Classification: Likely benign for MTR-related condition. Last evaluated: 2022-07-12. Review status: no assertion criteria provided. Collection method: clinical testing. Allele origin: germline. Not counted in ClinVar's aggregate classification.
Comment: This variant is classified as likely benign based on ACMG/AMP sequence variant interpretation guidelines (Richards et al. 2015 PMID: 25741868, with internal and published modifications).